The following is an entry in ClinVar:

ClinVar aggregate classification (germline): Uncertain significance. Review status: criteria provided, multiple submitters, no conflicts (2 of 4 stars). 2 submissions from 2 submitters: Uncertain significance (2). Last evaluated 2025-08-25.

Conditions:
Congenital muscular dystrophy due to integrin alpha-7 deficiency. Also called: Congenital muscular dystrophy with integrin alpha-7 deficiency; Muscular dystrophy, congenital, due to ITGA7 deficiency; MYOPATHY, CONGENITAL, DUE TO INTEGRIN ALPHA-7 DEFICIENCY. Identifiers: Orphanet 34520, MedGen C2750786, MONDO:0013177, OMIM 613204.

Allele frequency attached by ClinVar (database versions not stated): ExAC 0.00003; TOPMed 0.00003; gnomAD 0.00004; gnomAD exomes 0.00004; 1000 Genomes Project 0.00020; 1000 Genomes Project 30x 0.00031.
gnomAD v4.1: 35 of 1,614,216 alleles (0.0022%); highest among the groups gnomAD compares: Non-Finnish European, 0.0029%; no homozygotes.

Submissions (2):

Ambry Genetics
Classification: Uncertain significance. Last evaluated: 2025-08-25. Review status: criteria provided, single submitter. Criteria: Ambry Variant Classification Scheme 2023. Collection method: clinical testing. Allele origin: germline.

Labcorp Genetics (formerly Invitae), Labcorp
Classification: Uncertain significance for Congenital muscular dystrophy due to integrin alpha-7 deficiency. Last evaluated: 2022-08-02. Review status: criteria provided, single submitter. Criteria: Invitae Variant Classification Sherloc (09022015). Collection method: clinical testing. Allele origin: germline.
Comment: This sequence change replaces threonine, which is neutral and polar, with isoleucine, which is neutral and non-polar, at codon 761 of the ITGA7 protein (p.Thr761Ile). This variant is present in population databases (rs550342721, gnomAD 0.009%). This variant has not been reported in the literature in individuals affected with ITGA7-related conditions. ClinVar contains an entry for this variant (Variation ID: 566812). Algorithms developed to predict the effect of missense changes on protein structure and function are either unavailable or do not agree on the potential impact of this missense change (SIFT: "Tolerated"; PolyPhen-2: "Possibly Damaging"; Align-GVGD: "Class C0"). In summary, the available evidence is currently insufficient to determine the role of this variant in disease. Therefore, it has been classified as a Variant of Uncertain Significance.

NM_002206.3(ITGA7):c.2282C>T (p.Thr761Ile)

Genes: ITGA7 (integrin subunit alpha 7; minus strand), LOC126861535 (CDK7 strongly-dependent group 2 enhancer GRCh37_chr12:56087579-56088778; plus strand). Cytogenetic location: 12q13.2.
Variant type: single nucleotide variant.
Coding change: c.2282C>T on transcript NM_002206.3 (MANE Select); coding-DNA position 2282, C replaced by T.
Protein change: p.Thr761Ile; replaces threonine 761 with isoleucine.
Molecular consequence: missense variant.
Genome position (GRCh38, 1-based): chr12:55,694,518, G>A on the plus strand (C>T on the coding strand, the complement: ITGA7 is on the minus strand). VCF-style: chr12-55694518-G-A. GRCh37 (hg19) VCF-style: chr12-56088302-G-A.
Other names: c.2294C>T, p.Thr765Ile (NM_001144996.2); c.2003C>T, p.Thr668Ile (NM_001144997.2); c.1955C>T, p.Thr652Ile (NM_001367993.1); c.938C>T, p.Thr313Ile (NM_001367994.1); c.2264C>T, p.Thr755Ile (NM_001374465.1); c.2414C>T, p.Thr805Ile (NM_001410977.1); c.2276C>T, p.Thr759Ile (NM_001414029.1); c.2207C>T, p.Thr736Ile (NM_001414030.1); and 5 more; short protein forms T761I, T668I, T765I, T652I, T313I, T755I, T805I, T721I.
Identifiers: ClinVar variation 566812 (VCV000566812.5), dbSNP rs550342721, ClinGen allele CA6615664.
Genomic context (GRCh38, chr12:55,694,518, plus strand): 5'-TCTACCTCCAGTTCCGTGGTCTCAATGCTGATCCCGGAGGTGCTAAGGATGAGGTAGAAG[G>A]TGACCTAGGCCAAGGGTGGAAAGAGATTAGAGTCAGGGGTGGTCTACGGGCTTATGGAGA-3'
Protein context (NP_002197.2, residues 751-771): GNPMKRGAQV[Thr761Ile]FYLILSTSGI